The following is an entry in ClinVar:

ClinVar aggregate classification (germline): Uncertain significance. Review status: criteria provided, multiple submitters, no conflicts (2 of 4 stars). 2 submissions from 2 submitters: Uncertain significance (2). Last evaluated 2024-06-10.

Submissions (2):

Quest Diagnostics Nichols Institute San Juan Capistrano
Classification: Uncertain significance. Last evaluated: 2024-06-10. Review status: criteria provided, single submitter. Criteria: Quest Diagnostics criteria. Collection method: clinical testing. Allele origin: unknown.
Comment: The RAD50 c.769G>A (p.Glu257Lys) variant has not been reported in individuals with RAD50-related conditions in the published literature. It also has not been reported in large, multi-ethnic general populations (Genome Aggregation Database). Analysis of this variant using bioinformatics tools for the prediction of the effect of amino acid changes on protein structure and function yielded predictions that this variant is benign. Based on the available information, we are unable to determine the clinical significance of this variant.

GeneDx
Classification: Uncertain significance. Last evaluated: 2023-12-21. Review status: criteria provided, single submitter. Criteria: GeneDx Variant Classification Process June 2021. Collection method: clinical testing. Allele origin: germline. Affected: yes.
Comment: Has not been previously published as pathogenic or benign to our knowledge; Not observed at significant frequency in large population cohorts (gnomAD); In silico analysis supports that this missense variant does not alter protein structure/function; Variants in candidate genes are classified as variants of uncertain significance in accordance with ACMG guidelines (PMID: 25741868)

NM_005732.4(RAD50):c.769G>A (p.Glu257Lys)

Gene: RAD50 (RAD50 double strand break repair protein; plus strand). Cytogenetic location: 5q31.1.
Variant type: single nucleotide variant.
Coding change: c.769G>A on transcript NM_005732.4 (MANE Select); coding-DNA position 769, G replaced by A.
Protein change: p.Glu257Lys; replaces glutamic acid 257 with lysine.
Molecular consequence: missense variant.
Genome position (GRCh38, 1-based): chr5:132,587,574, G>A. VCF-style: chr5-132587574-G-A. GRCh37 (hg19) VCF-style: chr5-131923266-G-A.
Other names: short protein forms E257K.
Identifiers: ClinVar variation 3370175 (VCV003370175.2).